The following is an entry in ClinVar:

ClinVar aggregate classification (germline): Pathogenic (1 of 4 stars; one submission).

Conditions:
Long QT syndrome (LQTS). Identifiers: MedGen C0023976, MeSH D008133, MONDO:0002442. Disease mechanism: loss of function. Inheritance: Various modes of inheritance.

Allele frequency attached by ClinVar (database versions not stated): gnomAD exomes below 0.00001.

Submission:

Labcorp Genetics (formerly Invitae), Labcorp
Classification: Pathogenic for Long QT syndrome. Last evaluated: 2022-07-26. Review status: criteria provided, single submitter. Criteria: Invitae Variant Classification Sherloc (09022015). Collection method: clinical testing. Allele origin: germline.
Comment: This variant is not present in population databases (gnomAD no frequency). This sequence change creates a premature translational stop signal (p.Trp705*) in the KCNH2 gene. It is expected to result in an absent or disrupted protein product. Loss-of-function variants in KCNH2 are known to be pathogenic (PMID: 10973849, 19862833). This premature translational stop signal has been observed in individual(s) with KCNH2-related conditions (PMID: 20979233). For these reasons, this variant has been classified as Pathogenic. ClinVar contains an entry for this variant (Variation ID: 1405357).

Literature cited by the submitters: PubMed 10973849; PubMed 19862833; PubMed 20979233.

NM_000238.4(KCNH2):c.2115G>A (p.Trp705Ter)

Gene: KCNH2 (potassium voltage-gated channel subfamily H member 2; minus strand). Cytogenetic location: 7q36.1.
Variant type: single nucleotide variant.
Coding change: c.2115G>A on transcript NM_000238.4 (MANE Select); coding-DNA position 2115, G replaced by A.
Protein change: p.Trp705Ter; replaces tryptophan 705 with a stop codon.
Molecular consequence: nonsense.
Genome position (GRCh38, 1-based): chr7:150,950,951, C>T on the plus strand (G>A on the coding strand, the complement: KCNH2 is on the minus strand). VCF-style: chr7-150950951-C-T. GRCh37 (hg19) VCF-style: chr7-150648039-C-T.
Other names: c.1095G>A, p.Trp365Ter (NM_001204798.2, NM_172057.3); c.1827G>A, p.Trp609Ter (NM_001406753.1, NM_001406756.1); c.1938G>A, p.Trp646Ter (NM_001406755.1); c.1815G>A, p.Trp605Ter (NM_001406757.1); c.2115G>A, p.Trp705Ter (NM_172056.3); short protein forms W705*, W365*, W609*, W646*, W605*.
Identifiers: ClinVar variation 1405357 (VCV001405357.9), dbSNP rs2116954409, ClinGen allele CA369857393.
Genomic context (GRCh38, chr7:150,950,951, plus strand): 5'-CACCCACTGGCCACGCTCTGGTGGCCTCACCGCGTTCATGTCGATGCCGTTGGTGTAGGA[C>T]CAGGCGTGCTGGAAGTACTCCTCGAGGCGCTGGCGCAGGGGATTGGGGATCTGGTGGAAG-3'